The following is an entry in ClinVar:

NM_004360.5(CDH1):c.1733C>G (p.Thr578Arg)

Gene: CDH1 (cadherin 1; plus strand). Cytogenetic location: 16q22.1.
Variant type: single nucleotide variant.
Coding change: c.1733C>G on transcript NM_004360.5 (MANE Select); coding-DNA position 1733, C replaced by G.
Protein change: p.Thr578Arg; replaces threonine 578 with arginine.
Molecular consequence: missense variant. On other transcripts: 5 prime UTR variant (1).
Genome position (GRCh38, 1-based): chr16:68,822,022, C>G. VCF-style: chr16-68822022-C-G. GRCh37 (hg19) VCF-style: chr16-68855925-C-G.
Other names: c.1550C>G, p.Thr517Arg (NM_001317184.2); c.185C>G, p.Thr62Arg (NM_001317185.2); c.-233C>G (NM_001317186.2); short protein forms T578R, T517R, T62R.
Identifiers: ClinVar variation 819934 (VCV000819934.9), dbSNP rs1567512135, ClinGen allele CA396466324.

ClinVar aggregate classification (germline): Uncertain significance. Review status: criteria provided, multiple submitters, no conflicts (2 of 4 stars). 2 submissions from 2 submitters: Uncertain significance (2). Last evaluated 2022-05-24.

Conditions:
Hereditary diffuse gastric adenocarcinoma (HDGC). Also called: DIFFUSE GASTRIC AND LOBULAR BREAST CANCER SYNDROME. Identifiers: Orphanet 26106, MedGen C1708349, MONDO:0007648, OMIM 137215.
Hereditary cancer-predisposing syndrome. Also called: Hereditary Cancer Syndrome; Neoplastic Syndromes, Hereditary; Hereditary neoplastic syndrome; Tumor predisposition. Identifiers: Orphanet 140162, MedGen C0027672, MeSH D009386, MONDO:0015356.

Submissions (2):

Labcorp Genetics (formerly Invitae), Labcorp
Classification: Uncertain significance for Hereditary diffuse gastric adenocarcinoma. Last evaluated: 2022-05-24. Review status: criteria provided, single submitter. Criteria: Invitae Variant Classification Sherloc (09022015). Collection method: clinical testing. Allele origin: germline.
Comment: This sequence change replaces threonine, which is neutral and polar, with arginine, which is basic and polar, at codon 578 of the CDH1 protein (p.Thr578Arg). This variant is not present in population databases (gnomAD no frequency). This variant has not been reported in the literature in individuals affected with CDH1-related conditions. ClinVar contains an entry for this variant (Variation ID: 819934). Algorithms developed to predict the effect of missense changes on protein structure and function (SIFT, PolyPhen-2, Align-GVGD) all suggest that this variant is likely to be disruptive. In summary, the available evidence is currently insufficient to determine the role of this variant in disease. Therefore, it has been classified as a Variant of Uncertain Significance.

Ambry Genetics
Classification: Uncertain significance for Hereditary cancer-predisposing syndrome. Last evaluated: 2018-08-29. Review status: criteria provided, single submitter. Criteria: Ambry Variant Classification Scheme 2023. Collection method: clinical testing. Allele origin: germline.
Comment: The p.T578R variant (also known as c.1733C>G), located in coding exon 12 of the CDH1 gene, results from a C to G substitution at nucleotide position 1733. The threonine at codon 578 is replaced by arginine, an amino acid with similar properties. This amino acid position is highly conserved in available vertebrate species. In addition, the in silico prediction for this alteration is inconclusive. Since supporting evidence is limited at this time, the clinical significance of this alteration remains unclear.